The following is an entry in ClinVar:

NM_002693.3(POLG):c.3121T>C (p.Trp1041Arg)

Gene: POLG (DNA polymerase gamma, catalytic subunit; minus strand). Cytogenetic location: 15q26.1.
Variant type: single nucleotide variant.
Coding change: c.3121T>C on transcript NM_002693.3 (MANE Select); coding-DNA position 3121, T replaced by C.
Protein change: p.Trp1041Arg; replaces tryptophan 1041 with arginine.
Molecular consequence: missense variant.
Genome position (GRCh38, 1-based): chr15:89,319,083, A>G on the plus strand (T>C on the coding strand, the complement: POLG is on the minus strand). VCF-style: chr15-89319083-A-G. GRCh37 (hg19) VCF-style: chr15-89862314-A-G.
Other names: c.3121T>C, p.Trp1041Arg (NM_001126131.2); short protein forms W1041R.
Identifiers: ClinVar variation 855696 (VCV000855696.10), dbSNP rs2055354733, ClinGen allele CA393751175.

ClinVar aggregate classification (germline): Uncertain significance (1 of 4 stars; one submission).

Conditions:
Progressive sclerosing poliodystrophy (MTDPS4A). Also called: Mitochondrial DNA depletion syndrome 4A (Alpers type); ALPERS PROGRESSIVE INFANTILE POLIODYSTROPHY; NEURONAL DEGENERATION OF CHILDHOOD WITH LIVER DISEASE, PROGRESSIVE; Alpers Syndrome; Mitochondrial DNA Depletion Syndrome 4A; Alpers-Huttenlocher Syndrome (AHS). Identifiers: Orphanet 726, MedGen C0205710, MONDO:0008758, OMIM 203700.

Submission:

Labcorp Genetics (formerly Invitae), Labcorp
Classification: Uncertain significance for Progressive sclerosing poliodystrophy. Last evaluated: 2019-03-12. Review status: criteria provided, single submitter. Criteria: Invitae Variant Classification Sherloc (09022015). Collection method: clinical testing. Allele origin: germline.
Comment: In summary, the available evidence is currently insufficient to determine the role of this variant in disease. Therefore, it has been classified as a Variant of Uncertain Significance. Algorithms developed to predict the effect of missense changes on protein structure and function are either unavailable or do not agree on the potential impact of this missense change (SIFT: "Tolerated"; PolyPhen-2: "Probably Damaging"; Align-GVGD: "Class C0"). This variant has not been reported in the literature in individuals with POLG-related conditions. This variant is not present in population databases (ExAC no frequency). This sequence change replaces tryptophan with arginine at codon 1041 of the POLG protein (p.Trp1041Arg). The tryptophan residue is highly conserved and there is a moderate physicochemical difference between tryptophan and arginine.